The following is an entry in ClinVar:

ClinVar aggregate classification (germline): Uncertain significance (1 of 4 stars; one submission).

Conditions:
Autoinflammatory syndrome with immunodeficiency. Also called: AUTOINFLAMMATORY SYNDROME, FAMILIAL, WITH OR WITHOUT IMMUNODEFICIENCY. Identifiers: MedGen C5543547, MONDO:0800130, OMIM 619375.

Allele frequency attached by ClinVar (database versions not stated): gnomAD exomes below 0.00001.

Submission:

Clinical Genomics Laboratory, Washington University in St. Louis
Classification: Uncertain significance for Autoinflammatory syndrome with immunodeficiency. Last evaluated: 2024-04-12. Review status: criteria provided, single submitter. Criteria: ACMG Guidelines, 2015. Collection method: clinical testing. Allele origin: germline.
Comment: The SOCS1 c.70G>A (p.Glu24Lys) variant, to our knowledge, has not been reported in the medical literature. This variant is absent from the general population (gnomAD v.2.1.1), indicating it is not a common variant. Computational predictors suggest that the variant does not impact SOCS1 function. Due to limited information, and based on ACMG/AMP guidelines for variant interpretation (Richards S et al., PMID: 25741868), the clinical significance of this variant is uncertain at this time.

NM_003745.2(SOCS1):c.70G>A (p.Glu24Lys)

Genes: SOCS1 (suppressor of cytokine signaling 1; minus strand), LOC130058479 (ATAC-STARR-seq lymphoblastoid silent region 7198; plus strand). Cytogenetic location: 16p13.13.
Variant type: single nucleotide variant.
Coding change: c.70G>A on transcript NM_003745.2 (MANE Select); coding-DNA position 70, G replaced by A.
Protein change: p.Glu24Lys; replaces glutamic acid 24 with lysine.
Molecular consequence: missense variant.
Genome position (GRCh38, 1-based): chr16:11,255,409, C>T on the plus strand (G>A on the coding strand, the complement: SOCS1 is on the minus strand). VCF-style: chr16-11255409-C-T. GRCh37 (hg19) VCF-style: chr16-11349266-C-T.
Other names: short protein forms E24K.
Identifiers: ClinVar variation 3236586 (VCV003236586.1), dbSNP rs2511259967, ClinGen allele CA394740816.
Genomic context (GRCh38, chr16:11,255,409, plus strand): 5'-CGGGGCACGGCCGCGGGCGCGCGGGGGCCGCGGGCGAGGAGGAGGAAGAGGAGGAAGGTT[C>T]TGGCCGCCGTCGGGGCTCTGCTGCTGTGGAGACTGCATTGTCGGCTGCCACCTGGTTGTG-3'
Protein context (NP_003736.1, residues 14-34): STAAEPRRRP[Glu24Lys]PSSSSSSSPA